The following is an entry in ClinVar:

ClinVar aggregate classification (germline): Uncertain significance (1 of 4 stars; one submission).

Conditions:
PLXNA3-related disorder. Also called: PLXNA3-related condition.

Submission:

PreventionGenetics, part of Exact Sciences
Classification: Uncertain significance for PLXNA3-related condition. Last evaluated: 2025-11-04. Review status: criteria provided, single submitter. Criteria: ACMG Guidelines, 2015. Collection method: clinical testing. Allele origin: germline.
Comment: The PLXNA3 c.4447G>A variant is predicted to result in the amino acid substitution p.Val1483Met. To our knowledge, this variant has not been reported in the literature. This variant is reported in 0.0067% of alleles in individuals of East Asian descent in gnomAD. At this time, the clinical significance of this variant is uncertain due to the absence of conclusive functional and genetic evidence.

NM_017514.5(PLXNA3):c.4447G>A (p.Val1483Met)

Gene: PLXNA3 (plexin A3; plus strand). Cytogenetic location: Xq28.
Variant type: single nucleotide variant.
Coding change: c.4447G>A on transcript NM_017514.5 (MANE Select); coding-DNA position 4447, G replaced by A.
Protein change: p.Val1483Met; replaces valine 1483 with methionine.
Molecular consequence: missense variant.
Genome position (GRCh38, 1-based): chrX:154,469,068, G>A. VCF-style: chrX-154469068-G-A. GRCh37 (hg19) VCF-style: chrX-153697411-G-A.
Other names: short protein forms V1483M.
Identifiers: ClinVar variation 4986149 (VCV004986149.1).
Genomic context (GRCh38, chrX:154,469,068, plus strand): 5'-GAGAGAGGCCTCGCCCCAGACTGACACTGGAGTCCGCTTTCCCCTCAGACCCTTCACTGC[G>A]TGTGTCCGGAGAACGAGGGCAGCGCCCAGGTCCCAGTGAAGGTTCTCAACTGTGACAGCA-3'
Protein context (NP_059984.3, residues 1473-1493): IDYKTLTLHC[Val1483Met]CPENEGSAQV